The following is an entry in ClinVar:

NM_001999.4(FBN2):c.1484T>C (p.Ile495Thr)

Gene: FBN2 (fibrillin 2; minus strand). Cytogenetic location: 5q23.3.
Variant type: single nucleotide variant.
Coding change: c.1484T>C on transcript NM_001999.4 (MANE Select); coding-DNA position 1484, T replaced by C.
Protein change: p.Ile495Thr; replaces isoleucine 495 with threonine.
Molecular consequence: missense variant.
Genome position (GRCh38, 1-based): chr5:128,392,137, A>G on the plus strand (T>C on the coding strand, the complement: FBN2 is on the minus strand). VCF-style: chr5-128392137-A-G. GRCh37 (hg19) VCF-style: chr5-127727830-A-G.
Other names: short protein forms I495T.
Identifiers: ClinVar variation 3513591 (VCV003513591.2).

ClinVar aggregate classification (germline): Uncertain significance. Review status: criteria provided, multiple submitters, no conflicts (2 of 4 stars). 2 submissions from 2 submitters: Uncertain significance (2). Last evaluated 2024-12-30.

Conditions:
Familial thoracic aortic aneurysm and aortic dissection (TAAD). Also called: Thoracic aortic aneurysms and dissections. Identifiers: Orphanet 91387, MedGen C4707243, MONDO:0019625.

gnomAD v4.1: 1 of 1,613,560 alleles (0.000062%); highest among the groups gnomAD compares: Non-Finnish European, 0.000085%; no homozygotes.

Submissions (2):

GeneDx
Classification: Uncertain significance. Last evaluated: 2024-12-30. Review status: criteria provided, single submitter. Criteria: GeneDx Variant Classification Process June 2021. Collection method: clinical testing. Allele origin: germline. Affected: yes.
Comment: Not observed at significant frequency in large population cohorts (gnomAD); In silico analysis indicates that this missense variant does not alter protein structure/function; Has not been previously published as pathogenic or benign to our knowledge

Ambry Genetics
Classification: Uncertain significance for Familial thoracic aortic aneurysm and aortic dissection. Last evaluated: 2024-06-27. Review status: criteria provided, single submitter. Criteria: Ambry Variant Classification Scheme 2023. Collection method: clinical testing. Allele origin: germline.
Comment: The p.I495T variant (also known as c.1484T>C), located in coding exon 11 of the FBN2 gene, results from a T to C substitution at nucleotide position 1484. The isoleucine at codon 495 is replaced by threonine, an amino acid with similar properties. This amino acid position is well conserved in available vertebrate species. In addition, the in silico prediction for this alteration is inconclusive. Based on the available evidence, the clinical significance of this variant remains unclear.